The following is an entry in ClinVar:

NM_014324.6(AMACR):c.563C>G (p.Thr188Arg)

Genes: C1QTNF3-AMACR (C1QTNF3-AMACR readthrough (NMD candidate); minus strand), AMACR (alpha-methylacyl-CoA racemase; minus strand). Cytogenetic location: 5p13.2.
Variant type: single nucleotide variant.
Coding change: c.563C>G on transcript NM_014324.6 (MANE Select); coding-DNA position 563, C replaced by G.
Protein change: p.Thr188Arg; replaces threonine 188 with arginine.
Molecular consequence: missense variant. On other transcripts: non-coding transcript variant (1).
Genome position (GRCh38, 1-based): chr5:33,998,817, G>C on the plus strand (C>G on the coding strand, the complement: AMACR is on the minus strand). VCF-style: chr5-33998817-G-C. GRCh37 (hg19) VCF-style: chr5-33998922-G-C.
Other names: c.563C>G, p.Thr188Arg (NM_001167595.2); c.402C>G, p.Asn134Lys (NM_203382.3); short protein forms N134K, T188R.
Identifiers: ClinVar variation 1937286 (VCV001937286.5), dbSNP rs749650326, ClinGen allele CA3226162.

ClinVar aggregate classification (germline): Uncertain significance (1 of 4 stars; one submission).

Conditions:
Alpha-methylacyl-CoA racemase deficiency (AMACRD). Also called: AMACR deficiency. Identifiers: Orphanet 79095, MedGen C3280428, MONDO:0013681, OMIM 614307. Disease mechanism: loss of function.

Allele frequency attached by ClinVar (database versions not stated): ExAC 0.00001.
gnomAD v4.1: 3 of 1,613,930 alleles (0.00019%); highest among the groups gnomAD compares: Non-Finnish European, 0.00025%; no homozygotes.

Submission:

Labcorp Genetics (formerly Invitae), Labcorp
Classification: Uncertain significance for Alpha-methylacyl-CoA racemase deficiency. Last evaluated: 2022-08-19. Review status: criteria provided, single submitter. Criteria: Invitae Variant Classification Sherloc (09022015). Collection method: clinical testing. Allele origin: germline.
Comment: This sequence change replaces threonine, which is neutral and polar, with arginine, which is basic and polar, at codon 188 of the AMACR protein (p.Thr188Arg). This variant is not present in population databases (gnomAD no frequency). This variant has not been reported in the literature in individuals affected with AMACR-related conditions. Algorithms developed to predict the effect of missense changes on protein structure and function are either unavailable or do not agree on the potential impact of this missense change (SIFT: "Deleterious"; PolyPhen-2: "Possibly Damaging"; Align-GVGD: "Class C0"). In summary, the available evidence is currently insufficient to determine the role of this variant in disease. Therefore, it has been classified as a Variant of Uncertain Significance.